The following is an entry in ClinVar:

ClinVar aggregate classification (germline): Conflicting classifications of pathogenicity. Review status: criteria provided, conflicting classifications (1 of 4 stars). 2 submissions from 2 submitters: Uncertain significance (1); Likely benign (1). Last evaluated 2024-09-27.

Conditions:
Inborn genetic diseases. Identifiers: MedGen C0950123, MeSH D030342.

Allele frequency attached by ClinVar (database versions not stated): gnomAD 0.00002; TOPMed 0.00004.

Submissions (2):

Labcorp Genetics (formerly Invitae), Labcorp
Classification: Uncertain significance. Last evaluated: 2024-09-27. Review status: criteria provided, single submitter. Criteria: Invitae Variant Classification Sherloc (09022015). Collection method: clinical testing. Allele origin: germline.
Comment: This sequence change replaces methionine, which is neutral and non-polar, with valine, which is neutral and non-polar, at codon 1273 of the RAI1 protein (p.Met1273Val). This variant is present in population databases (no rsID available, gnomAD 0.02%). This variant has not been reported in the literature in individuals affected with RAI1-related conditions. ClinVar contains an entry for this variant (Variation ID: 1486332). Invitae Evidence Modeling of protein sequence and biophysical properties (such as structural, functional, and spatial information, amino acid conservation, physicochemical variation, residue mobility, and thermodynamic stability) indicates that this missense variant is not expected to disrupt RAI1 protein function with a negative predictive value of 80%. In summary, the available evidence is currently insufficient to determine the role of this variant in disease. Therefore, it has been classified as a Variant of Uncertain Significance.

Ambry Genetics
Classification: Likely benign for Inborn genetic diseases. Last evaluated: 2024-07-14. Review status: criteria provided, single submitter. Criteria: Ambry Variant Classification Scheme 2023. Collection method: clinical testing. Allele origin: germline.

NM_030665.4(RAI1):c.3817A>G (p.Met1273Val)

Gene: RAI1 (retinoic acid induced 1; plus strand). Cytogenetic location: 17p11.2.
Variant type: single nucleotide variant.
Coding change: c.3817A>G on transcript NM_030665.4 (MANE Select); coding-DNA position 3817, A replaced by G.
Protein change: p.Met1273Val; replaces methionine 1273 with valine.
Molecular consequence: missense variant.
Genome position (GRCh38, 1-based): chr17:17,796,765, A>G. VCF-style: chr17-17796765-A-G. GRCh37 (hg19) VCF-style: chr17-17700079-A-G.
Other names: c.3817A>G (NM_030665.3); short protein forms M1273V.
Identifiers: ClinVar variation 1486332 (VCV001486332.9), dbSNP rs1008033481, ClinGen allele CA288370660.